The following continues an entry in ClinVar:

NM_019597.5(HNRNPH2):c.617G>A (p.Arg206Gln)

ClinVar aggregate classification (germline): Pathogenic. Pathogenic (14).

Submissions 12 to 15 of 15:

Institute for Clinical Genetics, University Hospital TU Dresden, University Hospital TU Dresden
Classification: Pathogenic. Last evaluated: 2021-11-03. Review status: criteria provided, single submitter. Criteria: ACMG Guidelines, 2015. Collection method: clinical testing. Allele origin: germline.

Genetics and Molecular Pathology, SA Pathology
Classification: Pathogenic for Intellectual developmental disorder, X-linked, syndromic, Bain type. Last evaluated: 2020-07-22. Review status: criteria provided, single submitter. Criteria: ACMG Guidelines, 2015. Collection method: clinical testing. Allele origin: germline. Affected: yes.
Comment: PS2, PS4 – moderate, PM1, PM2, PP3 The HNRNPH2 c.617G>A variant is a single nucleotide change from a guanine to an adenine at position 617 which is predicted to alter the amino acid arginine at position 206 in the protein to glutamine. The variant is in dbSNP (rs886039764) but is absent from population databases (PM2). The variant is located in exon 2 and this position is a mutational hotspot with other de novo variants reported at this position (e.g. Arg206Trp PMID: 27545675, PMID: 31236915; Arg206Leu PMID: 31943778) (PM1). The variant has been reported in ClinVar as Pathogenic by another diagnostic laboratory (Variation ID 225761). Computational predictions support a deleterious effect on the gene or gene product (PP3).

Genomic Medicine Lab, University of California San Francisco
Classification: Pathogenic for Intellectual developmental disorder, X-linked, syndromic, Bain type. Last evaluated: 2020-03-05. Review status: criteria provided, single submitter. Criteria: ACMG Guidelines, 2015. Collection method: clinical testing. Allele origin: de novo. Inheritance: Autosomal dominant inheritance. Affected: yes. Study: CSER-P3EGS.

OMIM
Classification: Pathogenic for INTELLECTUAL DEVELOPMENTAL DISORDER, X-LINKED, SYNDROMIC, BAIN TYPE. Last evaluated: 2022-12-20. Review status: no assertion criteria provided. Collection method: literature only. Allele origin: germline. Not counted in ClinVar's aggregate classification.

Literature cited by the submitters: PubMed 27545675 (cited by 3 submitters); PubMed 32335897 (cited by Victorian Clinical Genetics Services, Murdoch Childrens Research Institute); PubMed 33728377 (cited by Victorian Clinical Genetics Services, Murdoch Childrens Research Institute); PubMed 34907471 (cited by Victorian Clinical Genetics Services, Murdoch Childrens Research Institute); PubMed 30887513 (cited by Genetics and Molecular Pathology, SA Pathology); PubMed 31236915 (cited by Genetics and Molecular Pathology, SA Pathology and OMIM); PubMed 31943778 (cited by Genetics and Molecular Pathology, SA Pathology); PubMed 31670473 (cited by OMIM).